The following is an entry in ClinVar:

ClinVar aggregate classification (germline): Likely benign. Review status: criteria provided, single submitter (1 of 4 stars). 2 submissions from 2 submitters: Likely benign (1). 1 of the submissions does not count toward it. Last evaluated 2024-05-31.

Conditions:
PLEC-related disorder. Also called: PLEC-related disorders; PLEC-related condition.
Epidermolysis bullosa simplex 5C, with pyloric atresia (EBS5C). Also called: PLEC-Related Epidermolysis Bullosa with Pyloric Atresia; Epidermolysis bullosa simplex with pyloric atresia; PLEC1-Related Epidermolysis Bullosa with Pyloric Atresia. Identifiers: Orphanet 158684, MedGen C2677349, MONDO:0012807, OMIM 612138.
Autosomal recessive limb-girdle muscular dystrophy type 2Q (LGMDR17). Also called: MUSCULAR DYSTROPHY, LIMB-GIRDLE, AUTOSOMAL RECESSIVE 17. Identifiers: Orphanet 254361, MedGen C3150989, MONDO:0013390, OMIM 613723.
Epidermolysis bullosa simplex 5B, with muscular dystrophy (EBS5B). Also called: EPIDERMOLYSIS BULLOSA SIMPLEX AND LIMB-GIRDLE MUSCULAR DYSTROPHY; Epidermolysis bullosa simplex with muscular dystrophy. Identifiers: Orphanet 257, MedGen C2931072, MONDO:0009181, OMIM 226670.
Epidermolysis bullosa simplex, Ogna type (EBS5A). Also called: Pidermolysis bullosa simplex 5A, Ogna type; EPIDERMOLYSIS BULLOSA SIMPLEX 5A, OGNA TYPE. Identifiers: Orphanet 79401, MedGen C0432317, MONDO:0007555, OMIM 131950.
Epidermolysis bullosa simplex with nail dystrophy (EBS5D). Identifiers: MedGen C4225309, MONDO:0014661, OMIM 616487.

Allele frequency attached by ClinVar (database versions not stated): gnomAD 0.00003; gnomAD exomes 0.00003; ExAC 0.00004; TOPMed 0.00004; 1000 Genomes Project 30x 0.00031; 1000 Genomes Project 0.00040.
gnomAD v4.1: 48 of 1,610,882 alleles (0.003%); highest among the groups gnomAD compares: Middle Eastern, 0.017%; no homozygotes.

Submissions (2):

Labcorp Genetics (formerly Invitae), Labcorp
Classification: Likely benign for Autosomal recessive limb-girdle muscular dystrophy type 2Q; Epidermolysis bullosa simplex, Ogna type; Epidermolysis bullosa simplex with nail dystrophy; Epidermolysis bullosa simplex 5C, with pyloric atresia; Epidermolysis bullosa simplex 5B, with muscular dystrophy. Last evaluated: 2024-05-31. Review status: criteria provided, single submitter. Criteria: Invitae Variant Classification Sherloc (09022015). Collection method: clinical testing. Allele origin: germline.

PreventionGenetics, part of Exact Sciences
Classification: Likely benign for PLEC-related condition. Last evaluated: 2019-06-04. Review status: no assertion criteria provided. Collection method: clinical testing. Allele origin: germline. Not counted in ClinVar's aggregate classification.
Comment: This variant is classified as likely benign based on ACMG/AMP sequence variant interpretation guidelines (Richards et al. 2015 PMID: 25741868, with internal and published modifications).

NM_201384.3(PLEC):c.11265C>T (p.Pro3755=)

Gene: PLEC (plectin; minus strand). Cytogenetic location: 8q24.3.
Variant type: single nucleotide variant.
Coding change: c.11265C>T on transcript NM_201384.3 (MANE Select); coding-DNA position 11265, C replaced by T.
Protein change: p.Pro3755=; no amino-acid change (proline 3755 retained).
Molecular consequence: synonymous variant.
Genome position (GRCh38, 1-based): chr8:143,918,556, G>A on the plus strand (C>T on the coding strand, the complement: PLEC is on the minus strand). VCF-style: chr8-143918556-G-A. GRCh37 (hg19) VCF-style: chr8-144992724-G-A.
Other names: c.11346C>T, p.Pro3782= (NM_000445.5); c.7965C>T, p.Pro2655= (NM_001410941.1); c.11223C>T, p.Pro3741= (NM_201378.4); c.11199C>T, p.Pro3733= (NM_201379.3); c.11676C>T, p.Pro3892= (NM_201380.4); c.11169C>T, p.Pro3723= (NM_201381.3); c.11265C>T, p.Pro3755= (NM_201382.4); c.11277C>T, p.Pro3759= (NM_201383.3).
Identifiers: ClinVar variation 3043945 (VCV003043945.4), dbSNP rs181485778, ClinGen allele CA4924397.